The following is an entry in ClinVar:

NM_000179.3(MSH6):c.1819A>G (p.Thr607Ala)

Gene: MSH6 (mutS homolog 6; plus strand). Cytogenetic location: 2p16.3.
Variant type: single nucleotide variant.
Coding change: c.1819A>G on transcript NM_000179.3 (MANE Select); coding-DNA position 1819, A replaced by G.
Protein change: p.Thr607Ala; replaces threonine 607 with alanine.
Molecular consequence: missense variant.
Genome position (GRCh38, 1-based): chr2:47,799,802, A>G. VCF-style: chr2-47799802-A-G. GRCh37 (hg19) VCF-style: chr2-48026941-A-G.
Other names: c.1429A>G, p.Thr477Ala (NM_001281492.2); c.913A>G, p.Thr305Ala (NM_001281493.2, NM_001281494.2); short protein forms T305A, T477A, T607A.
Identifiers: ClinVar variation 953142 (VCV000953142.11), dbSNP rs1204144048, ClinGen allele CA346749445.

ClinVar aggregate classification (germline): Uncertain significance. Review status: criteria provided, multiple submitters, no conflicts (2 of 4 stars). 2 submissions from 2 submitters: Uncertain significance (2). Last evaluated 2024-01-18.

Conditions:
Hereditary cancer-predisposing syndrome. Also called: Hereditary neoplastic syndrome; Tumor predisposition; Neoplastic Syndromes, Hereditary; Hereditary Cancer Syndrome. Identifiers: Orphanet 140162, MedGen C0027672, MeSH D009386, MONDO:0015356.
Hereditary nonpolyposis colorectal neoplasms. Identifiers: MedGen C0009405, MeSH D003123.

Allele frequency attached by ClinVar (database versions not stated): TOPMed below 0.00001.

Submissions (2):

Labcorp Genetics (formerly Invitae), Labcorp
Classification: Uncertain significance for Hereditary nonpolyposis colorectal neoplasms. Last evaluated: 2024-01-18. Review status: criteria provided, single submitter. Criteria: Invitae Variant Classification Sherloc (09022015). Collection method: clinical testing. Allele origin: germline.
Comment: This sequence change replaces threonine, which is neutral and polar, with alanine, which is neutral and non-polar, at codon 607 of the MSH6 protein (p.Thr607Ala). This variant is not present in population databases (gnomAD no frequency). This variant has not been reported in the literature in individuals affected with MSH6-related conditions. ClinVar contains an entry for this variant (Variation ID: 953142). Advanced modeling of protein sequence and biophysical properties (such as structural, functional, and spatial information, amino acid conservation, physicochemical variation, residue mobility, and thermodynamic stability) performed at Invitae indicates that this missense variant is not expected to disrupt MSH6 protein function with a negative predictive value of 95%. In summary, the available evidence is currently insufficient to determine the role of this variant in disease. Therefore, it has been classified as a Variant of Uncertain Significance.

Ambry Genetics
Classification: Uncertain significance for Hereditary cancer-predisposing syndrome. Last evaluated: 2023-12-17. Review status: criteria provided, single submitter. Criteria: Ambry Variant Classification Scheme 2023. Collection method: clinical testing. Allele origin: germline.
Comment: The p.T607A variant (also known as c.1819A>G), located in coding exon 4 of the MSH6 gene, results from an A to G substitution at nucleotide position 1819. The threonine at codon 607 is replaced by alanine, an amino acid with similar properties. This amino acid position is conserved. In addition, this alteration is predicted to be tolerated by in silico analysis. Since supporting evidence is limited at this time, the clinical significance of this alteration remains unclear.